The following is an entry in ClinVar:

NM_007294.4(BRCA1):c.5398del (p.Gly1801fs)

Gene: BRCA1 (BRCA1 DNA repair associated; minus strand). Cytogenetic location: 17q21.31.
Variant type: Deletion.
Coding change: c.5398del on transcript NM_007294.4 (MANE Select); coding-DNA position 5398, one base deleted (C; older notation c.5398delC).
Protein change: p.Gly1801fs; shifts the reading frame from glycine 1801.
Molecular consequence: frameshift variant. On other transcripts: non-coding transcript variant (1), intron variant (1).
Genome position (GRCh38, 1-based): chr17:43,049,129, G deleted on the plus strand (C on the coding strand, the reverse complement: BRCA1 is on the minus strand); the first of 3 consecutive G bases (chr17:43,049,129-43,049,131); deleting any one gives the same sequence. VCF-style (leftmost placement, unchanged base first): chr17-43049128-AG-A. GRCh37 (hg19) VCF-style: chr17-41201145-AG-A.
Other names: c.5398delC (NM_007294.3); c.5393delC, p.Gly1800Alafs (NM_001407611.1, NM_001407612.1, NM_001407613.1 and 14 more transcripts); c.5390delC, p.Gly1799Alafs (NM_001407627.1, NM_001407628.1, NM_001407629.1 and 13 more transcripts); c.5387delC, p.Gly1798Alafs (NM_001407644.1, NM_001407645.1); c.5384delC, p.Gly1797Alafs (NM_001407646.1); c.5381delC, p.Gly1796Alafs (NM_001407647.1); c.5339delC, p.Gly1782Alafs (NM_001407648.1); c.5336delC, p.Gly1781Alafs (NM_001407649.1); and 76 more; short protein forms G1822fs, G697fs, G1801fs, G1754fs.
Identifiers: ClinVar variation 420726 (VCV000420726.15), dbSNP rs1064794662, ClinGen allele CA16620419.
Genomic context (GRCh38, chr17:43,049,128, plus strand): 5'-TCACAGGAGAGAATATTGTGTCCTCCCTCTCTGACAGGGCACCCAATACTTACTGTGCCA[AG>A]GGTGAATGATGAAAGCTCCTTCACCACAGAAGCACCACACAGCTGTACCATCCATTCCAG-3'

ClinVar aggregate classification (germline): Pathogenic. Review status: reviewed by expert panel (3 of 4 stars). 5 submissions from 5 submitters: Pathogenic (1). 4 of the submissions do not count toward it. Last evaluated 2017-12-15.

Conditions:
Hereditary breast ovarian cancer syndrome. Also called: Hereditary breast and ovarian cancer syndrome (HBOC); BRCA1- and BRCA2-Associated Hereditary Breast and Ovarian Cancer; Hereditary breast and/or ovarian cancer syndrome; Hereditary breast and ovarian cancer syndrome; Hereditary breast and ovarian cancer; Breast and ovarian cancer. Identifiers: Orphanet 145, MedGen C0677776, MeSH D061325, MONDO:0003582. Disease mechanism: loss of function.
BRCA1-related cancer predisposition. Identifiers: MedGen CN377757, MONDO:0700268.
Breast-ovarian cancer, familial, susceptibility to, 1 (BROVCA1). Also called: BRCA1 Hereditary Breast and Ovarian Cancer; OVARIAN CANCER, SUSCEPTIBILITY TO. Identifiers: Orphanet 145, MedGen C2676676, MONDO:0011450, OMIM 604370. Disease mechanism: loss of function.

Submissions (5):

Evidence-based Network for the Interpretation of Germline Mutant Alleles (ENIGMA)
Classification: Pathogenic for Breast-ovarian cancer, familial, susceptibility to, 1. Last evaluated: 2017-12-15. Review status: reviewed by expert panel. Criteria: ENIGMA BRCA1/2 Classification Criteria (2017-06-29). Collection method: curation. Allele origin: germline. Study: ENIGMA.
Comment: Variant allele predicted to encode a truncated non-functional protein.

All of Us Research Program, National Institutes of Health
Classification: Pathogenic for BRCA1-related cancer predisposition. Last evaluated: 2024-08-13. Review status: criteria provided, single submitter. Criteria: ACMG Guidelines, 2015. Collection method: clinical testing. Allele origin: germline. Inheritance: Autosomal dominant inheritance. Observed: 1 variant allele, 1 heterozygote. Not counted in ClinVar's aggregate classification.
Comment: This variant deletes 1 nucleotide in exon 21 of the BRCA1 gene, creating a frameshift and premature translation stop signal. This variant is expected to result in an absent or non-functional protein product. This variant has been reported in individuals affected with ovarian cancer (PMID: 17148771, 21324516). This variant has not been identified in the general population by the Genome Aggregation Database (gnomAD). Loss of BRCA1 function is a known mechanism of disease. Based on the available evidence, this variant is classified as Pathogenic.

This study involves interpretation of variants in research participants for the purpose of population health screening. Participant phenotype was not available at the time of variant classification. Additional details can be found in publication PMID: 35346344, PMCID: PMC8962531

Women's Health and Genetics/Laboratory Corporation of America, LabCorp
Classification: Pathogenic for Hereditary breast ovarian cancer syndrome. Last evaluated: 2023-04-17. Review status: criteria provided, single submitter. Criteria: LabCorp Variant Classification Summary - May 2015. Collection method: clinical testing. Allele origin: germline. Not counted in ClinVar's aggregate classification.
Comment: Variant summary: BRCA1 c.5398delC (p.Gly1801AlafsX33) results in a premature termination codon, predicted to cause a truncation of the encoded protein or absence of the protein due to nonsense mediated decay, which are commonly known mechanisms for disease. Truncations downstream of this position have been classified as pathogenic by our laboratory. The variant was absent in 251436 control chromosomes. To our knowledge, no occurrence of c.5398delC in individuals affected with Hereditary Breast And Ovarian Cancer Syndrome and no experimental evidence demonstrating its impact on protein function have been reported. Three clinical diagnostic laboratories have submitted clinical-significance assessments for this variant to ClinVar after 2014 without evidence for independent evaluation. All laboratories classified the variant as pathogenic. Based on the evidence outlined above, the variant was classified as pathogenic.

Labcorp Genetics (formerly Invitae), Labcorp
Classification: Pathogenic for Hereditary breast ovarian cancer syndrome. Last evaluated: 2020-03-10. Review status: criteria provided, single submitter. Criteria: Invitae Variant Classification Sherloc (09022015). Collection method: clinical testing. Allele origin: germline. Not counted in ClinVar's aggregate classification.
Comment: This sequence change results in a premature translational stop signal in the BRCA1 gene (p.Gly1801Alafs*33). While this is not anticipated to result in nonsense mediated decay, it is expected to disrupt the last 63 amino acids of the BRCA1 protein. This variant is not present in population databases (ExAC no frequency). This variant has not been reported in the literature in individuals with BRCA1-related conditions. ClinVar contains an entry for this variant (Variation ID: 420726). This variant disrupts the C-terminal end of the BRCA1 protein partially including the BRCT domain (residues 1646-1859), which is important for DNA repair activity (PMID: 11573086, 14576433, 15133503, 25652403). While functional studies have not been performed to directly test the effect on BRCA1 protein function, this suggests that disruption of the C-terminal portion of the protein is functionally important. A different truncation (p.Tyr1853*) that lies downstream of this variant has been determined to be pathogenic (PMID: 21922593, 10811118, 11739404, 12400015, 7894493, Invitae). This suggests that variants that disrupt this region of the protein are likely to be causative of disease. For these reasons, this variant has been classified as Pathogenic.

GeneDx
Classification: Pathogenic. Last evaluated: 2016-03-21. Review status: criteria provided, single submitter. Criteria: GeneDx Variant Classification (06012015). Collection method: clinical testing. Allele origin: germline. Affected: yes. Not counted in ClinVar's aggregate classification.
Comment: This deletion of one nucleotide in BRCA1 is denoted c.5398delC at the cDNA level and p.Gly1801AlafsX33 (G1801AfsX33) at the protein level. The normal sequence, with the base that is deleted in braces, is CACC[C]TTGG. The deletion causes a frameshift which changes a Glycine to an Alanine at codon 1801, and creates a premature stop codon at position 33 of the new reading frame. Although this variant has not, to our knowledge, been reported in the literature, it is predicted to cause loss of normal protein function through either protein truncation or nonsense-mediated mRNA decay. We consider this variant to be pathogenic.

Literature cited by the submitters: PubMed 17148771 (cited by All of Us Research Program, National Institutes of Health); PubMed 21324516 (cited by All of Us Research Program, National Institutes of Health); PubMed 11573086 (cited by Labcorp Genetics (formerly Invitae), Labcorp); PubMed 14576433 (cited by Labcorp Genetics (formerly Invitae), Labcorp); PubMed 15133503 (cited by Labcorp Genetics (formerly Invitae), Labcorp); PubMed 25652403 (cited by Labcorp Genetics (formerly Invitae), Labcorp); PubMed 21922593 (cited by Labcorp Genetics (formerly Invitae), Labcorp); PubMed 10811118 (cited by Labcorp Genetics (formerly Invitae), Labcorp); PubMed 11739404 (cited by Labcorp Genetics (formerly Invitae), Labcorp); PubMed 12400015 (cited by Labcorp Genetics (formerly Invitae), Labcorp); PubMed 7894493 (cited by Labcorp Genetics (formerly Invitae), Labcorp).